The following is an entry in ClinVar:

ClinVar aggregate classification (germline): Uncertain significance. Review status: criteria provided, multiple submitters, no conflicts (2 of 4 stars). 2 submissions from 2 submitters: Uncertain significance (2). Last evaluated 2026-06-23.

Conditions:
Hereditary cancer-predisposing syndrome. Also called: Hereditary Cancer Syndrome; Neoplastic Syndromes, Hereditary; Hereditary neoplastic syndrome; Tumor predisposition. Identifiers: Orphanet 140162, MedGen C0027672, MeSH D009386, MONDO:0015356.
Cardiovascular phenotype. Identifiers: MedGen CN230736.
Neurofibromatosis, type 1 (NF1). Also called: Peripheral type neurofibromatosis; VON RECKLINGHAUSEN DISEASE; NEUROFIBROMATOSIS, TYPE I, SOMATIC; Neurofibromatosis, type I. Identifiers: Orphanet 636, MedGen C0027831, MONDO:0018975, OMIM 162200. Disease mechanism: loss of function.

Submissions (2):

Ambry Genetics
Classification: Uncertain significance for Cardiovascular phenotype; Hereditary cancer-predisposing syndrome. Last evaluated: 2026-06-23. Review status: criteria provided, single submitter. Criteria: Ambry Variant Classification Scheme 2023. Collection method: clinical testing. Allele origin: germline.
Comment: The p.L920V variant (also known as c.2758C>G), located in coding exon 21 of the NF1 gene, results from a C to G substitution at nucleotide position 2758. The leucine at codon 920 is replaced by valine, an amino acid with highly similar properties. This amino acid position is highly conserved in available vertebrate species. In addition, the in silico prediction for this alteration is inconclusive. Based on the available evidence, the clinical significance of this variant remains unclear.

Labcorp Genetics (formerly Invitae), Labcorp
Classification: Uncertain significance for Neurofibromatosis, type 1. Last evaluated: 2021-04-30. Review status: criteria provided, single submitter. Criteria: Invitae Variant Classification Sherloc (09022015). Collection method: clinical testing. Allele origin: germline.
Comment: Advanced modeling of protein sequence and biophysical properties (such as structural, functional, and spatial information, amino acid conservation, physicochemical variation, residue mobility, and thermodynamic stability) performed at Invitae indicates that this missense variant is not expected to disrupt NF1 protein function. In summary, the available evidence is currently insufficient to determine the role of this variant in disease. Therefore, it has been classified as a Variant of Uncertain Significance. This variant has not been reported in the literature in individuals with NF1-related conditions. This variant is not present in population databases (ExAC no frequency). This sequence change replaces leucine with valine at codon 920 of the NF1 protein (p.Leu920Val). The leucine residue is moderately conserved and there is a small physicochemical difference between leucine and valine.

NM_001042492.3(NF1):c.2758C>G (p.Leu920Val)

Gene: NF1 (neurofibromin 1; plus strand). Cytogenetic location: 17q11.2.
Variant type: single nucleotide variant.
Coding change: c.2758C>G on transcript NM_001042492.3 (MANE Select); coding-DNA position 2758, C replaced by G.
Protein change: p.Leu920Val; replaces leucine 920 with valine.
Molecular consequence: missense variant.
Genome position (GRCh38, 1-based): chr17:31,229,373, C>G. VCF-style: chr17-31229373-C-G. GRCh37 (hg19) VCF-style: chr17-29556391-C-G.
Other names: c.2758C>G, p.Leu920Val (NM_000267.4); short protein forms L920V.
Identifiers: ClinVar variation 1350315 (VCV001350315.9), dbSNP rs2151429594, ClinGen allele CA398985422.
Genomic context (GRCh38, chr17:31,229,373, plus strand): 5'-TCCTTAATGGTGTGTAACCATGAGAAAGTGGGACTTCAAATACGGACCAATGTTAAGGAT[C>G]TGGTGGGTCTAGAATTGAGTCCTGCTCTGTATCCAATGCTATTTAACAAATTGAAGAATA-3'
Protein context (NP_001035957.1, residues 910-930): GLQIRTNVKD[Leu920Val]VGLELSPALY